The following is an entry in ClinVar:

ClinVar aggregate classification (germline): Uncertain significance (1 of 4 stars; one submission).

Allele frequency attached by ClinVar (database versions not stated): gnomAD exomes below 0.00001; ExAC 0.00001; gnomAD 0.00001; TOPMed 0.00001; ESP Exome Variant Server 0.00008.
gnomAD v4.1: 5 of 1,608,968 alleles (0.00031%); highest among the groups gnomAD compares: Non-Finnish European, 0.00042%; no homozygotes.

Submission:

Labcorp Genetics (formerly Invitae), Labcorp
Classification: Uncertain significance. Last evaluated: 2022-05-27. Review status: criteria provided, single submitter. Criteria: Invitae Variant Classification Sherloc (09022015). Collection method: clinical testing. Allele origin: germline.
Comment: Algorithms developed to predict the effect of missense changes on protein structure and function (SIFT, PolyPhen-2, Align-GVGD) all suggest that this variant is likely to be tolerated. This sequence change replaces valine, which is neutral and non-polar, with isoleucine, which is neutral and non-polar, at codon 147 of the ARCN1 protein (p.Val147Ile). This variant is present in population databases (rs374333744, gnomAD 0.007%). This variant has not been reported in the literature in individuals affected with ARCN1-related conditions. In summary, the available evidence is currently insufficient to determine the role of this variant in disease. Therefore, it has been classified as a Variant of Uncertain Significance.

NM_001655.5(ARCN1):c.439G>A (p.Val147Ile)

Gene: ARCN1 (archain 1 coat protein complex I subunit delta; plus strand). Cytogenetic location: 11q23.3.
Variant type: single nucleotide variant.
Coding change: c.439G>A on transcript NM_001655.5 (MANE Select); coding-DNA position 439, G replaced by A.
Protein change: p.Val147Ile; replaces valine 147 with isoleucine.
Molecular consequence: missense variant.
Genome position (GRCh38, 1-based): chr11:118,583,350, G>A. VCF-style: chr11-118583350-G-A. GRCh37 (hg19) VCF-style: chr11-118454065-G-A.
Other names: c.175G>A, p.Val59Ile (NM_001142281.2); short protein forms V59I, V147I.
Identifiers: ClinVar variation 1475563 (VCV001475563.8), dbSNP rs374333744, ClinGen allele CA6306059.